The following is an entry in ClinVar:

NM_012301.4(MAGI2):c.2515C>T (p.Arg839Cys)

Gene: MAGI2 (membrane associated guanylate kinase, WW and PDZ domain containing 2; minus strand). Cytogenetic location: 7q21.11.
Variant type: single nucleotide variant.
Coding change: c.2515C>T on transcript NM_012301.4 (MANE Select); coding-DNA position 2515, C replaced by T.
Protein change: p.Arg839Cys; replaces arginine 839 with cysteine.
Molecular consequence: missense variant.
Genome position (GRCh38, 1-based): chr7:78,167,997, G>A on the plus strand (C>T on the coding strand, the complement: MAGI2 is on the minus strand). VCF-style: chr7-78167997-G-A. GRCh37 (hg19) VCF-style: chr7-77797314-G-A.
Other names: c.2473C>T, p.Arg825Cys (NM_001301128.2); c.2515C>T (NM_012301.3); short protein forms R825C, R839C.
Identifiers: ClinVar variation 3594843 (VCV003594843.2).
Genomic context (GRCh38, chr7:78,167,997, plus strand): 5'-TCACAGTGAGGTTGACCTGCCCATTGCGGGCTGCGTGGTGCATGAGGTCGATGACATAGC[G>A]GTGGGTTTTGCCGGCTACTGGAATCCCATCAACATACACAAGCTCATCTCCTGGGTGAAG-3'
Protein context (NP_036433.2, residues 829-849): DGIPVAGKTH[Arg839Cys]YVIDLMHHAA

ClinVar aggregate classification (germline): Uncertain significance. Review status: criteria provided, multiple submitters, no conflicts (2 of 4 stars). 2 submissions from 2 submitters: Uncertain significance (2). Last evaluated 2025-03-12.

Conditions:
Nephrotic syndrome 15. Identifiers: MedGen C4539896, MONDO:0033262, OMIM 617609.

gnomAD v4.1: 58 of 1,613,996 alleles (0.0036%); highest among the groups gnomAD compares: East Asian, 0.0067%; no homozygotes.

Submissions (2):

Ambry Genetics
Classification: Uncertain significance. Last evaluated: 2025-03-12. Review status: criteria provided, single submitter. Criteria: Ambry Variant Classification Scheme 2023. Collection method: clinical testing. Allele origin: germline.
Comment: Does not currently meet published gene-disease clinical validity criteria Based on insufficient or conflicting evidence, the clinical significance of this alteration remains unclear.

Fulgent Genetics
Classification: Uncertain significance for Nephrotic syndrome 15. Last evaluated: 2024-05-17. Review status: criteria provided, single submitter. Criteria: ACMG Guidelines, 2015. Collection method: clinical testing. Allele origin: germline.

Literature cited by the submitters: PubMed 28106320 (cited by Ambry Genetics).